The following is an entry in ClinVar:

NM_018975.4(TERF2IP):c.839G>C (p.Cys280Ser)

Gene: TERF2IP (TERF2 interacting protein; plus strand). Cytogenetic location: 16q23.1.
Variant type: single nucleotide variant.
Coding change: c.839G>C on transcript NM_018975.4 (MANE Select); coding-DNA position 839, G replaced by C.
Protein change: p.Cys280Ser; replaces cysteine 280 with serine.
Molecular consequence: missense variant. On other transcripts: non-coding transcript variant (1).
Genome position (GRCh38, 1-based): chr16:75,656,250, G>C. VCF-style: chr16-75656250-G-C. GRCh37 (hg19) VCF-style: chr16-75690148-G-C.
Other names: short protein forms C280S.
Identifiers: ClinVar variation 1763226 (VCV001763226.2), dbSNP rs527404806, ClinGen allele CA396819694.

ClinVar aggregate classification (germline): Uncertain significance (1 of 4 stars; one submission).

Submission:

Ambry Genetics
Classification: Uncertain significance. Last evaluated: 2022-03-31. Review status: criteria provided, single submitter. Criteria: Ambry Variant Classification Scheme 2023. Collection method: clinical testing. Allele origin: germline.
Comment: The p.C280S variant (also known as c.839G>C), located in coding exon 3 of the TERF2IP gene, results from a G to C substitution at nucleotide position 839. The cysteine at codon 280 is replaced by serine, an amino acid with dissimilar properties. This amino acid position is conserved. In addition, this alteration is predicted to be tolerated by in silico analysis. Since supporting evidence is limited at this time, the clinical significance of this alteration remains unclear.